The following is an entry in ClinVar:

ClinVar aggregate classification (germline): Benign/Likely benign. Review status: criteria provided, multiple submitters, no conflicts (2 of 4 stars). 8 submissions from 7 submitters: Benign (7); Likely benign (1). Last evaluated 2026-02-04.

Conditions:
Combined oxidative phosphorylation defect type 24. Also called: Combined oxidative phosphorylation deficiency 24. Identifiers: Orphanet 444458, MedGen C4015643, MONDO:0014547, OMIM 616239.
Hearing loss, autosomal recessive 94. Also called: Deafness, autosomal recessive 94. Identifiers: MedGen C5193096, MONDO:0032749, OMIM 618434.

Allele frequency attached by ClinVar (database versions not stated): 1000 Genomes Project 30x 0.70987; 1000 Genomes Project 0.71006; gnomAD exomes 0.72735 and 0.77827; ExAC 0.73817; TOPMed 0.75708; gnomAD 0.76014 and 0.76474; ESP Exome Variant Server 0.79071.
gnomAD v4.1: 1,243,497 of 1,602,524 alleles (78%); highest among the groups gnomAD compares: Non-Finnish European, 80%; 485,488 homozygotes.

Submissions (8):

Labcorp Genetics (formerly Invitae), Labcorp
Classification: Benign. Last evaluated: 2026-02-04. Review status: criteria provided, single submitter. Criteria: Invitae Variant Classification Sherloc (09022015). Collection method: clinical testing. Allele origin: germline.

Blueprint Genetics
Classification: Likely benign. Last evaluated: 2024-11-27. Review status: criteria provided, single submitter. Criteria: ACMG Guidelines, 2015. Collection method: clinical testing. Allele origin: germline.

Mayo Clinic Laboratories, Mayo Clinic
Classification: Benign. Last evaluated: 2022-10-27. Review status: criteria provided, single submitter. Criteria: ACMG Guidelines, 2015. Collection method: clinical testing. Allele origin: germline. Observed: 378 variant alleles.

Genome-Nilou Lab
Classification: Benign for Hearing loss, autosomal recessive 94. Last evaluated: 2021-09-05. Review status: criteria provided, single submitter. Criteria: ACMG Guidelines, 2015. Collection method: clinical testing. Allele origin: germline. Affected: no.

Genome-Nilou Lab
Classification: Benign for Combined oxidative phosphorylation defect type 24. Last evaluated: 2021-09-05. Review status: criteria provided, single submitter. Criteria: ACMG Guidelines, 2015. Collection method: clinical testing. Allele origin: germline. Affected: no.

Mendelics
Classification: Benign for Combined oxidative phosphorylation defect type 24. Last evaluated: 2019-05-28. Review status: criteria provided, single submitter. Criteria: Mendelics Assertion Criteria 2017. Collection method: clinical testing. Allele origin: unknown.

GeneDx
Classification: Benign. Last evaluated: 2015-12-02. Review status: criteria provided, single submitter. Criteria: GeneDx Variant Classification (06012015). Collection method: clinical testing. Allele origin: germline. Affected: yes.
Comment: This variant is considered likely benign or benign based on one or more of the following criteria: it is a conservative change, it occurs at a poorly conserved position in the protein, it is predicted to be benign by multiple in silico algorithms, and/or has population frequency not consistent with disease.

Breakthrough Genomics
Classification: Benign. Review status: criteria provided, single submitter. Criteria: ACMG Guidelines, 2015. Collection method: not provided. Allele origin: germline. Inheritance: Autosomal recessive inheritance. Affected: yes.

NM_024678.6(NARS2):c.260A>C (p.Asn87Thr)

Gene: NARS2 (asparaginyl-tRNA synthetase 2, mitochondrial; minus strand). Cytogenetic location: 11q14.1.
Variant type: single nucleotide variant.
Coding change: c.260A>C on transcript NM_024678.6 (MANE Select); coding-DNA position 260, A replaced by C.
Protein change: p.Asn87Thr; replaces asparagine 87 with threonine.
Molecular consequence: missense variant. On other transcripts: 5 prime UTR variant (1).
Genome position (GRCh38, 1-based): chr11:78,568,744, T>G on the plus strand (A>C on the coding strand, the complement: NARS2 is on the minus strand). VCF-style: chr11-78568744-T-G. GRCh37 (hg19) VCF-style: chr11-78279790-T-G.
Other names: p.Asn87Thr; c.-422A>C (NM_001243251.2); short protein forms N87T.
Identifiers: ClinVar variation 380000 (VCV000380000.15), dbSNP rs10501429, ClinGen allele CA6205892.